The following is an entry in ClinVar:

NM_016222.4(DDX41):c.1369G>A (p.Val457Ile)

Gene: DDX41 (DEAD-box helicase 41; minus strand). Cytogenetic location: 5q35.3.
Variant type: single nucleotide variant.
Coding change: c.1369G>A on transcript NM_016222.4 (MANE Select); coding-DNA position 1369, G replaced by A.
Protein change: p.Val457Ile; replaces valine 457 with isoleucine.
Molecular consequence: missense variant.
Genome position (GRCh38, 1-based): chr5:177,512,810, C>T on the plus strand (G>A on the coding strand, the complement: DDX41 is on the minus strand). VCF-style: chr5-177512810-C-T. GRCh37 (hg19) VCF-style: chr5-176939811-C-T.
Other names: c.991G>A, p.Val331Ile (NM_001321732.2, NM_001321830.2); short protein forms V331I, V457I.
Identifiers: ClinVar variation 4238718 (VCV004238718.1).

ClinVar aggregate classification (germline): Uncertain significance (1 of 4 stars; one submission).

Conditions:
Inborn genetic diseases. Identifiers: MedGen C0950123, MeSH D030342.

Submission:

Ambry Genetics
Classification: Uncertain significance for Inborn genetic diseases. Last evaluated: 2025-06-16. Review status: criteria provided, single submitter. Criteria: Ambry Variant Classification Scheme 2023. Collection method: clinical testing. Allele origin: germline.
Comment: The p.V457I variant (also known as c.1369G>A), located in coding exon 13 of the DDX41 gene, results from a G to A substitution at nucleotide position 1369. The valine at codon 457 is replaced by isoleucine, an amino acid with highly similar properties. This amino acid position is highly conserved in available vertebrate species. In addition, this alteration is predicted to be tolerated by in silico analysis. Based on the available evidence, the clinical significance of this variant remains unclear.